The following is an entry in ClinVar:

ClinVar aggregate classification (germline): Uncertain significance (1 of 4 stars; one submission).

Conditions:
Postaxial polydactyly-anterior pituitary anomalies-facial dysmorphism syndrome. Also called: Culler-Jones syndrome. Identifiers: Orphanet 420584, MedGen C4014479, MONDO:0014369, OMIM 615849.

Submission:

3billion
Classification: Uncertain significance for Postaxial polydactyly-anterior pituitary anomalies-facial dysmorphism syndrome. Last evaluated: 2025-12-25. Review status: criteria provided, single submitter. Criteria: ACMG Guidelines, 2015. Collection method: clinical testing. Allele origin: germline. Affected: yes.
Comment: The variant is not observed in the gnomAD v4.1.0 dataset. Predicted Consequence/Location: Canonical splice site: predicted to alter splicing and result in a loss or disruption of normal protein function. Multiple pathogenic loss-of-function variants are reported downstream of the variant. In silico tools predict the variant to alter splicing and produce an abnormal transcript [SpliceAI: 1.00 (spliceogenicity >=0.2, non-spliceogenicity <0.1)]. However, the predicted abnormal transcript is the same as known isoforms of the GLI2 gene, NM_001371271.1 and NM_005270.5. Therefore, this variant is classified as VUS according to the recommendation of ACMG/AMP guideline.

NM_001374353.1(GLI2):c.1183-2A>G

Gene: GLI2 (GLI family zinc finger 2; plus strand). Cytogenetic location: 2q14.2.
Variant type: single nucleotide variant.
Coding change: c.1183-2A>G on transcript NM_001374353.1 (MANE Select); the canonical splice acceptor site of the intron before coding-DNA position 1183, A replaced by G.
Molecular consequence: splice acceptor variant. On other transcripts: missense variant (2).
Genome position (GRCh38, 1-based): chr2:120,974,973, A>G. VCF-style: chr2-120974973-A-G. GRCh37 (hg19) VCF-style: chr2-121732549-A-G.
Other names: c.1232A>G, p.Gln411Arg (NM_001371271.1, NM_005270.5); c.808-2A>G (NM_001374354.1); short protein forms Q411R.
Identifiers: ClinVar variation 4855594 (VCV004855594.1).